The following is an entry in ClinVar:

ClinVar aggregate classification (germline): Pathogenic. Review status: reviewed by expert panel (3 of 4 stars). 20 submissions from 20 submitters: Pathogenic (1). 19 of the submissions do not count toward it. Last evaluated 2016-09-08.

Conditions:
BRCA2-related disorder. Also called: BRCA2-related condition; BRCA2-related disorders. Identifiers: MedGen CN239275.
BRCA2-related cancer predisposition. Identifiers: MedGen CN377758, MONDO:0700269.
Hereditary cancer-predisposing syndrome. Also called: Tumor predisposition; Neoplastic Syndromes, Hereditary; Hereditary neoplastic syndrome; Hereditary Cancer Syndrome. Identifiers: Orphanet 140162, MedGen C0027672, MeSH D009386, MONDO:0015356.
Hereditary breast ovarian cancer syndrome. Also called: Hereditary breast and ovarian cancer; BRCA1- and BRCA2-Associated Hereditary Breast and Ovarian Cancer; Hereditary breast and/or ovarian cancer syndrome; Hereditary breast and ovarian cancer syndrome; Breast and ovarian cancer; Hereditary breast and ovarian cancer syndrome (HBOC). Identifiers: Orphanet 145, MedGen C0677776, MeSH D061325, MONDO:0003582. Disease mechanism: loss of function.
Breast-ovarian cancer, familial, susceptibility to, 2 (BROVCA2). Also called: BRCA2 Hereditary Breast and Ovarian Cancer. Identifiers: Orphanet 145, MedGen C2675520, MONDO:0012933, OMIM 612555. Disease mechanism: loss of function.
Familial cancer of breast. Also called: BREAST CANCER, FAMILIAL; hereditary breast carcinoma; Hereditary breast cancer. Identifiers: Orphanet 227535, MedGen C0346153, MONDO:0016419, OMIM 114480. Disease mechanism: loss of function.

Allele frequency attached by ClinVar (database versions not stated): gnomAD exomes below 0.00001; TOPMed 0.00001.
gnomAD v4.1: 1 of 1,612,110 alleles (0.000062%); highest among the groups gnomAD compares: Non-Finnish European, 0.000085%; no homozygotes.

Submissions 1 to 9 of 20:

Evidence-based Network for the Interpretation of Germline Mutant Alleles (ENIGMA)
Classification: Pathogenic for Breast-ovarian cancer, familial, susceptibility to, 2. Last evaluated: 2016-09-08. Review status: reviewed by expert panel. Criteria: ENIGMA BRCA1/2 Classification Criteria (2015). Collection method: curation. Allele origin: germline.
Comment: Variant allele predicted to encode a truncated non-functional protein.

Labcorp Genetics (formerly Invitae), Labcorp
Classification: Pathogenic for Hereditary breast ovarian cancer syndrome. Last evaluated: 2026-01-12. Review status: criteria provided, single submitter. Criteria: Invitae Variant Classification Sherloc (09022015). Collection method: clinical testing. Allele origin: germline. Not counted in ClinVar's aggregate classification.
Comment: This sequence change creates a premature translational stop signal (p.Lys1530*) in the BRCA2 gene. It is expected to result in an absent or disrupted protein product. Loss-of-function variants in BRCA2 are known to be pathogenic (PMID: 20104584). This variant is not present in population databases (gnomAD no frequency). This premature translational stop signal has been observed in individual(s) with breast cancer (PMID: 25452441, 26681312). ClinVar contains an entry for this variant (Variation ID: 51678). For these reasons, this variant has been classified as Pathogenic.

Ambry Genetics
Classification: Pathogenic for Hereditary cancer-predisposing syndrome. Last evaluated: 2025-05-28. Review status: criteria provided, single submitter. Criteria: Ambry Variant Classification Scheme 2023. Collection method: clinical testing. Allele origin: germline. Not counted in ClinVar's aggregate classification.
Comment: The p.K1530* pathogenic mutation (also known as c.4588A>T), located in coding exon 10 of the BRCA2 gene, results from an A to T substitution at nucleotide position 4588. This changes the amino acid from a lysine to a stop codon within coding exon 10. This mutation has been detected in 1/1824 patients with triple negative breast cancer who were unselected for a family history of breast or ovarian cancer and in 1 breast cancer patient out of 10030 consecutive patients referred for evaluation by an NGS hereditary cancer panel (Couch FJ et al. J Clin Oncol. 2015 Feb 1;33(4):304-11; Susswein LR et al. Genet Med. 2016 Aug;18(8):823-32). This alteration was identified in a large, worldwide study of BRCA1/2 mutation positive families (Rebbeck TR et al. Hum. Mutat. 2018 05;39:593-620). In addition to the clinical data presented in the literature, this alteration is expected to result in loss of function by premature protein truncation or nonsense-mediated mRNA decay. As such, this alteration is interpreted as a disease-causing mutation.

ARUP Laboratories, Molecular Genetics and Genomics, ARUP Laboratories
Classification: Pathogenic. Last evaluated: 2025-01-13. Review status: criteria provided, single submitter. Criteria: ARUP Molecular Germline Variant Investigation Process 2024. Collection method: clinical testing. Allele origin: germline. Not counted in ClinVar's aggregate classification.
Comment: The BRCA2 c.4588A>T; p.Lys1530Ter variant (rs80358692) is reported in the literature in several individuals with breast and/or ovarian cancer (Couch 2015, Lilyquist 2017, Susswein 2016). This variant is absent from the Genome Aggregation Database (v2.1.1), indicating it is not a common polymorphism. This variant induces an early termination codon and is predicted to result in a truncated protein or mRNA subject to nonsense-mediated decay. Based on available information, this variant is considered to be pathogenic. References: Couch FJ et al. Inherited mutations in 17 breast cancer susceptibility genes among a large triple-negative breast cancer cohort unselected for family history of breast cancer. J Clin Oncol. 2015 Feb 1;33(4):304-11. PMID: 25452441. Lilyquist J et al. Frequency of mutations in a large series of clinically ascertained ovarian cancer cases tested on multi-gene panels compared to reference controls. Gynecol Oncol. 2017 Nov;147(2):375-380. PMID: 28888541. Susswein LR et al. Pathogenic and likely pathogenic variant prevalence among the first 10,000 patients referred for next-generation cancer panel testing. Genet Med. 2016 Aug;18(8):823-32. PMID: 26681312.

All of Us Research Program, National Institutes of Health
Classification: Pathogenic for BRCA2-related cancer predisposition. Last evaluated: 2024-03-28. Review status: criteria provided, single submitter. Criteria: ACMG Guidelines, 2015. Collection method: clinical testing. Allele origin: germline. Inheritance: Autosomal dominant inheritance. Observed: 2 variant alleles, 2 heterozygotes. Not counted in ClinVar's aggregate classification.
Comment: This variant changes 1 nucleotide in exon 11 of the BRCA2 gene, creating a premature translation stop signal. This variant is expected to result in an absent or non-functional protein product. This variant has been reported in 3 individuals affected with breast cancer (PMID: 25452441, 26681312, Color internal data) and has been identified in 5 families among the CIMBA participants (PMID: 29446198). This variant has not been identified in the general population by the Genome Aggregation Database (gnomAD). Loss of BRCA2 function is a known mechanism of disease. Based on the available evidence, this variant is classified as Pathogenic.

This study involves interpretation of variants in research participants for the purpose of population health screening. Participant phenotype was not available at the time of variant classification. Additional details can be found in publication PMID: 35346344, PMCID: PMC8962531

Baylor Genetics
Classification: Pathogenic for Familial cancer of breast. Last evaluated: 2024-03-19. Review status: criteria provided, single submitter. Criteria: ACMG Guidelines, 2015. Collection method: clinical testing. Allele origin: unknown. Not counted in ClinVar's aggregate classification.

Color Diagnostics, LLC DBA Color Health
Classification: Pathogenic for Hereditary cancer-predisposing syndrome. Last evaluated: 2024-01-17. Review status: criteria provided, single submitter. Criteria: ACMG Guidelines, 2015. Collection method: clinical testing. Allele origin: germline. Not counted in ClinVar's aggregate classification.
Comment: This variant changes 1 nucleotide in exon 11 of the BRCA2 gene, creating a premature translation stop signal. This variant is expected to result in an absent or non-functional protein product. This variant has been reported in three individuals affected with breast cancer (PMID: 25452441, 26681312, Color internal data) and one individual affected with prostate cancer (PMID: 31640893). This variant has been identified in 5 families among the CIMBA participants (PMID: 29446198). This variant has not been identified in the general population by the Genome Aggregation Database (gnomAD). Loss of BRCA2 function is a known mechanism of disease. Based on the available evidence, this variant is classified as Pathogenic.

Revvity Omics, Revvity
Classification: Likely pathogenic. Last evaluated: 2023-06-13. Review status: criteria provided, single submitter. Criteria: ACMG Guidelines, 2015. Collection method: clinical testing. Allele origin: germline. Not counted in ClinVar's aggregate classification.

Quest Diagnostics Nichols Institute San Juan Capistrano
Classification: Pathogenic. Last evaluated: 2023-04-13. Review status: criteria provided, single submitter. Criteria: Quest Diagnostics criteria. Collection method: clinical testing. Allele origin: unknown. Not counted in ClinVar's aggregate classification.
Comment: This nonsense variant causes the premature termination of BRCA2 protein synthesis. In the published literature, the variant has been reported in individuals with breast cancer (PMID: 25452441 (2015), 26681312 (2016)), ovarian cancer (PMID: 28888541 (2017)), and prostate cancer (PMID: 31640893 (2020)). It was also reported in healthy individuals (PMID: 32906206 (2020)). Additionally, this variant was reported in a large global study of BRCA1/BRCA2 positive families (PMID: 29446198 (2018)). It has not been reported in large, multi-ethnic general populations. Based on the available information, this variant is classified as pathogenic.

NM_000059.4(BRCA2):c.4588A>T (p.Lys1530Ter)

Gene: BRCA2 (BRCA2 DNA repair associated; plus strand). Cytogenetic location: 13q13.1.
Variant type: single nucleotide variant.
Coding change: c.4588A>T on transcript NM_000059.4 (MANE Select); coding-DNA position 4588, A replaced by T.
Protein change: p.Lys1530Ter; replaces lysine 1530 with a stop codon.
Molecular consequence: nonsense.
Genome position (GRCh38, 1-based): chr13:32,338,943, A>T. VCF-style: chr13-32338943-A-T. GRCh37 (hg19) VCF-style: chr13-32913080-A-T.
Other names: p.K1530*:AAA>TAA; 4816A>T; short protein forms K1530*.
Identifiers: ClinVar variation 51678 (VCV000051678.53), dbSNP rs80358692, ClinGen allele CA020499.
Genomic context (GRCh38, chr13:32,338,943, plus strand): 5'-CCCGAACGTGATGAAAAGATCAAAGAACCTACTCTATTGGGTTTTCATACAGCTAGCGGG[A>T]AAAAAGTTAAAATTGCAAAGGAATCTTTGGACAAAGTGAAAAACCTTTTTGATGAAAAAG-3'